The following is an entry in ClinVar:

ClinVar aggregate classification (germline): Benign. Review status: criteria provided, multiple submitters, no conflicts (2 of 4 stars). 2 submissions from 2 submitters: Benign (2). Last evaluated 2018-11-11.

Allele frequency attached by ClinVar (database versions not stated): gnomAD exomes 0.53623; 1000 Genomes Project 0.60323; 1000 Genomes Project 30x 0.61165; gnomAD 0.61293 and 0.62085; TOPMed 0.62994.
gnomAD v4.1: 707,465 of 1,294,684 alleles (55%); highest among the groups gnomAD compares: African/African-American, 85%; 197,452 homozygotes.

Submissions (2):

GeneDx
Classification: Benign. Last evaluated: 2018-11-11. Review status: criteria provided, single submitter. Criteria: GeneDx Variant Classification Process June 2021. Collection method: clinical testing. Allele origin: germline. Affected: yes.
Comment: This variant is associated with the following publications: (PMID: 23615182, 25480945)

Breakthrough Genomics
Classification: Benign. Review status: criteria provided, single submitter. Criteria: ACMG Guidelines, 2015. Collection method: not provided. Allele origin: germline. Inheritance: Autosomal recessive inheritance. Affected: yes.

NM_001557.4(CXCR2):c.*127T>C

Gene: CXCR2 (C-X-C motif chemokine receptor 2; plus strand). Cytogenetic location: 2q35.
Variant type: single nucleotide variant.
Coding change: c.*127T>C on transcript NM_001557.4 (MANE Select); 127 bases downstream of the stop codon, T replaced by C.
Molecular consequence: 3 prime UTR variant.
Genome position (GRCh38, 1-based): chr2:218,136,011, T>C. VCF-style: chr2-218136011-T-C. GRCh37 (hg19) VCF-style: chr2-219000734-T-C.
Other names: c.*127T>C (NM_001168298.2).
Identifiers: ClinVar variation 1222897 (VCV001222897.4), dbSNP rs1126579, ClinGen allele CA11098098.